The following is an entry in ClinVar:

ClinVar aggregate classification (germline): Uncertain significance. Review status: criteria provided, multiple submitters, no conflicts (2 of 4 stars). 5 submissions from 5 submitters: Uncertain significance (5). Last evaluated 2026-01-13.

Conditions:
Hereditary cancer-predisposing syndrome. Also called: Neoplastic Syndromes, Hereditary; Hereditary neoplastic syndrome; Hereditary Cancer Syndrome; Tumor predisposition. Identifiers: Orphanet 140162, MedGen C0027672, MeSH D009386, MONDO:0015356.
Familial prostate cancer. Also called: Hereditary Prostate Cancer. Identifiers: MedGen C2931456, MONDO:0700275, OMIM 176807.
Familial cancer of breast. Also called: BREAST CANCER, FAMILIAL; hereditary breast carcinoma; Hereditary breast cancer. Identifiers: Orphanet 227535, MedGen C0346153, MONDO:0016419, OMIM 114480. Disease mechanism: loss of function.

Allele frequency attached by ClinVar (database versions not stated): gnomAD exomes below 0.00001; gnomAD 0.00001.

Submissions (5):

Labcorp Genetics (formerly Invitae), Labcorp
Classification: Uncertain significance for Familial cancer of breast. Last evaluated: 2026-01-13. Review status: criteria provided, single submitter. Criteria: Invitae Variant Classification Sherloc (09022015). Collection method: clinical testing. Allele origin: germline.
Comment: This sequence change replaces proline, which is neutral and non-polar, with leucine, which is neutral and non-polar, at codon 128 of the CHEK2 protein (p.Pro128Leu). This variant is not present in population databases (gnomAD no frequency). This variant has not been reported in the literature in individuals affected with CHEK2-related conditions. ClinVar contains an entry for this variant (Variation ID: 141613). An algorithm developed to predict the effect of missense changes on protein structure and function (PolyPhen-2) suggests that this variant is likely to be tolerated. Experimental studies have shown that this missense change does not substantially affect CHEK2 function (PMID: 37449874). In summary, the available evidence is currently insufficient to determine the role of this variant in disease. Therefore, it has been classified as a Variant of Uncertain Significance.

Quest Diagnostics Nichols Institute San Juan Capistrano
Classification: Uncertain significance. Last evaluated: 2025-09-17. Review status: criteria provided, single submitter. Criteria: Quest Diagnostics criteria. Collection method: clinical testing. Allele origin: unknown.
Comment: The CHEK2 c.383C>T (p.Pro128Leu) variant has been reported in the published literature in individuals with breast cancer as well as in reportedly unaffected individuals (PMID: 33471991 (2021), see also LOVD). Additionally, this variant has been shown to have a wild type effect on CHEK2 activity in vitro, however, more studies are needed to determine the global effect of this variant on CHEK2 protein function (PMID: 37449874 (2023)). The frequency of this variant in the general population (Genome Aggregation Database) is uninformative in the assessment of its pathogenicity. Analysis of this variant using bioinformatics tools for the prediction of the effect of amino acid changes on protein structure and function yielded predictions that this variant is benign. Based on the available information, we are unable to determine the clinical significance of this variant.

Color Diagnostics, LLC DBA Color Health
Classification: Uncertain significance for Hereditary cancer-predisposing syndrome. Last evaluated: 2025-02-24. Review status: criteria provided, single submitter. Criteria: ACMG Guidelines, 2015. Collection method: clinical testing. Allele origin: germline.
Comment: This missense variant replaces proline with leucine at codon 128 of the CHEK2 protein. Computational prediction suggests that this variant may not impact protein structure and function. A functional study has shown this variant protein does not impact protein localization or kinase activity (PMID: 37449874). In a large breast cancer case-control meta analysis, this variant was reported in 3/73048 cases and 1/88658 unaffected controls (PMID: 33471991). This variant has not been identified in the general population by the Genome Aggregation Database (gnomAD). The available evidence is insufficient to determine the role of this variant in disease conclusively. Therefore, this variant is classified as a Variant of Uncertain Significance.

Ambry Genetics
Classification: Uncertain significance for Hereditary cancer-predisposing syndrome. Last evaluated: 2024-09-16. Review status: criteria provided, single submitter. Criteria: Ambry Variant Classification Scheme 2023. Collection method: clinical testing. Allele origin: germline.
Comment: The p.P128L variant (also known as c.383C>T), located in coding exon 2 of the CHEK2 gene, results from a C to T substitution at nucleotide position 383. The proline at codon 128 is replaced by leucine, an amino acid with similar properties. This alteration was reported as functional in a study assessing CHEK2-complementation through quantification of KAP1 phosphorylation and CHK2 autophosphorylation in human RPE1-CHEK2-knockout cells (Stolarova et al. Clin Cancer Res. 2023 Aug;29(16):3037-3050). This amino acid position is well conserved in available vertebrate species. In addition, the in silico prediction for this alteration is inconclusive. Based on the available evidence, the clinical significance of this variant remains unclear.

Department of Pathology and Laboratory Medicine, Sinai Health System
Classification: Uncertain significance for Familial prostate cancer. Last evaluated: 2021-08-16. Review status: criteria provided, single submitter. Criteria: ACMG Guidelines, 2015. Collection method: clinical testing. Allele origin: germline. Affected: yes.

Literature cited by the submitters: PubMed 37449874 (cited by 4 submitters); PubMed 33471991 (cited by Quest Diagnostics Nichols Institute San Juan Capistrano and Color Diagnostics, LLC DBA Color Health).

NM_007194.4(CHEK2):c.383C>T (p.Pro128Leu)

Gene: CHEK2 (checkpoint kinase 2; minus strand). Cytogenetic location: 22q12.1.
Variant type: single nucleotide variant.
Coding change: c.383C>T on transcript NM_007194.4 (MANE Select); coding-DNA position 383, C replaced by T.
Protein change: p.Pro128Leu; replaces proline 128 with leucine.
Molecular consequence: missense variant.
Genome position (GRCh38, 1-based): chr22:28,725,304, G>A on the plus strand (C>T on the coding strand, the complement: CHEK2 is on the minus strand). VCF-style: chr22-28725304-G-A. GRCh37 (hg19) VCF-style: chr22-29121292-G-A.
Other names: c.512C>T, p.Pro171Leu (NM_001005735.3); c.-395C>T (NM_001257387.3); c.383C>T, p.Pro128Leu (NM_001349956.3, NM_145862.3); short protein forms P128L, P171L.
Identifiers: ClinVar variation 141613 (VCV000141613.22), dbSNP rs587781879, ClinGen allele CA165943.